The following is an entry in ClinVar:

NM_000154.2(GALK1):c.949G>A (p.Asp317Asn)

Gene: GALK1 (galactokinase 1; minus strand). Cytogenetic location: 17q25.1.
Variant type: single nucleotide variant.
Coding change: c.949G>A on transcript NM_000154.2 (MANE Select); coding-DNA position 949, G replaced by A.
Protein change: p.Asp317Asn; replaces aspartic acid 317 with asparagine.
Molecular consequence: missense variant.
Genome position (GRCh38, 1-based): chr17:75,758,368, C>T on the plus strand (G>A on the coding strand, the complement: GALK1 is on the minus strand). VCF-style: chr17-75758368-C-T. GRCh37 (hg19) VCF-style: chr17-73754449-C-T.
Other names: c.949G>A, p.Asp317Asn (NM_001381985.1); short protein forms D317N.
Identifiers: ClinVar variation 2086214 (VCV002086214.2), dbSNP rs752509283, ClinGen allele CA8770772.

ClinVar aggregate classification (germline): Uncertain significance. Review status: criteria provided, multiple submitters, no conflicts (2 of 4 stars). 2 submissions from 2 submitters: Uncertain significance (2). Last evaluated 2023-02-03.

Conditions:
Deficiency of galactokinase. Also called: GALACTOSEMIA II; Galactokinase deficiency with cataracts. Identifiers: Orphanet 352, Orphanet 79237, MedGen C0268155, MONDO:0009255, OMIM 230200.

Allele frequency attached by ClinVar (database versions not stated): gnomAD 0.00001; TOPMed 0.00001; ExAC 0.00005.
gnomAD v4.1: 16 of 1,589,512 alleles (0.001%); highest among the groups gnomAD compares: Admixed American, 0.0072%; no homozygotes.

Submissions (2):

Blueprint Genetics
Classification: Uncertain significance. Last evaluated: 2023-02-03. Review status: criteria provided, single submitter. Criteria: ACMG Guidelines, 2015. Collection method: clinical testing. Allele origin: germline.

Labcorp Genetics (formerly Invitae), Labcorp
Classification: Uncertain significance for Deficiency of galactokinase. Last evaluated: 2022-07-30. Review status: criteria provided, single submitter. Criteria: Invitae Variant Classification Sherloc (09022015). Collection method: clinical testing. Allele origin: germline.
Comment: This sequence change replaces aspartic acid, which is acidic and polar, with asparagine, which is neutral and polar, at codon 317 of the GALK1 protein (p.Asp317Asn). The frequency data for this variant in the population databases is considered unreliable, as metrics indicate poor data quality at this position in the gnomAD database. This variant has not been reported in the literature in individuals affected with GALK1-related conditions. Algorithms developed to predict the effect of missense changes on protein structure and function are either unavailable or do not agree on the potential impact of this missense change (SIFT: "Tolerated"; PolyPhen-2: "Possibly Damaging"; Align-GVGD: "Class C0"). In summary, the available evidence is currently insufficient to determine the role of this variant in disease. Therefore, it has been classified as a Variant of Uncertain Significance.